The following is an entry in ClinVar:

NM_001735.3(C5):c.3391-13T>A

Gene: C5 (complement C5; minus strand). Cytogenetic location: 9q33.2.
Variant type: single nucleotide variant.
Coding change: c.3391-13T>A on transcript NM_001735.3 (MANE Select); 13 bases into the intron before coding-DNA position 3391, T replaced by A.
Molecular consequence: intron variant.
Genome position (GRCh38, 1-based): chr9:120,981,952, A>T on the plus strand (T>A on the coding strand, the complement: C5 is on the minus strand). VCF-style: chr9-120981952-A-T. GRCh37 (hg19) VCF-style: chr9-123744230-A-T.
Other names: c.3409-13T>A (NM_001317163.2).
Identifiers: ClinVar variation 1315897 (VCV001315897.6), dbSNP rs1438177822, ClinGen allele CA2573053084.

ClinVar aggregate classification (germline): Uncertain significance. Review status: criteria provided, multiple submitters, no conflicts (2 of 4 stars). 2 submissions from 2 submitters: Uncertain significance (2). Last evaluated 2025-02-16.

gnomAD v4.1: 2 of 1,579,360 alleles (0.00013%); highest among the groups gnomAD compares: Non-Finnish European, 0.00017%; no homozygotes.

Submissions (2):

GeneDx
Classification: Uncertain significance. Last evaluated: 2025-02-16. Review status: criteria provided, single submitter. Criteria: GeneDx Variant Classification Process June 2021. Collection method: clinical testing. Allele origin: germline. Affected: yes.
Comment: Not observed at significant frequency in large population cohorts (gnomAD); Has not been previously published as pathogenic or benign to our knowledge; In silico analysis supports a deleterious effect on splicing

Labcorp Genetics (formerly Invitae), Labcorp
Classification: Uncertain significance. Last evaluated: 2023-09-27. Review status: criteria provided, single submitter. Criteria: Invitae Variant Classification Sherloc (09022015). Collection method: clinical testing. Allele origin: germline.
Comment: Algorithms developed to predict the effect of sequence changes on RNA splicing suggest that this variant may disrupt the consensus splice site. ClinVar contains an entry for this variant (Variation ID: 1315897). This variant has not been reported in the literature in individuals affected with C5-related conditions. This variant is not present in population databases (gnomAD no frequency). This sequence change falls in intron 26 of the C5 gene. It does not directly change the encoded amino acid sequence of the C5 protein. In summary, the available evidence is currently insufficient to determine the role of this variant in disease. Therefore, it has been classified as a Variant of Uncertain Significance.